The following is an entry in ClinVar:

ClinVar aggregate classification (germline): Uncertain significance (1 of 4 stars; one submission).

Conditions:
Hereditary cancer-predisposing syndrome. Also called: Hereditary Cancer Syndrome; Hereditary neoplastic syndrome; Neoplastic Syndromes, Hereditary; Tumor predisposition. Identifiers: Orphanet 140162, MedGen C0027672, MeSH D009386, MONDO:0015356.

Submission:

Ambry Genetics
Classification: Uncertain significance for Hereditary cancer-predisposing syndrome. Last evaluated: 2020-06-16. Review status: criteria provided, single submitter. Criteria: Ambry Variant Classification Scheme 2023. Collection method: clinical testing. Allele origin: germline.
Comment: The p.K1474T variant (also known as c.4421A>C), located in coding exon 30 of the SMARCA4 gene, results from an A to C substitution at nucleotide position 4421. The lysine at codon 1474 is replaced by threonine, an amino acid with similar properties. This amino acid position is highly conserved in available vertebrate species. In addition, the in silico prediction for this alteration is inconclusive. Since supporting evidence is limited at this time, the clinical significance of this alteration remains unclear.

NM_003072.5(SMARCA4):c.4325A>C (p.Lys1442Thr)

Gene: SMARCA4 (SWI/SNF related BAF chromatin remodeling complex subunit ATPase 4; plus strand). Cytogenetic location: 19p13.2.
Variant type: single nucleotide variant.
Coding change: c.4325A>C on transcript NM_003072.5 (MANE Select); coding-DNA position 4325, A replaced by C.
Protein change: p.Lys1442Thr; replaces lysine 1442 with threonine.
Molecular consequence: missense variant. On other transcripts: non-coding transcript variant (1).
Genome position (GRCh38, 1-based): chr19:11,041,461, A>C. VCF-style: chr19-11041461-A-C. GRCh37 (hg19) VCF-style: chr19-11152137-A-C.
Other names: c.4325A>C, p.Lys1442Thr (NM_001128844.3); c.4235A>C, p.Lys1412Thr (NM_001128845.2, NM_001128846.2); c.4226A>C, p.Lys1409Thr (NM_001128847.4, NM_001128848.2, NM_001374457.1); c.4421A>C, p.Lys1474Thr (NM_001128849.3, NM_001387283.1); c.4322A>C, p.Lys1441Thr (NM_001411150.1); short protein forms K1441T, K1409T, K1412T, K1442T, K1474T.
Identifiers: ClinVar variation 1740485 (VCV001740485.2), dbSNP rs2146819448, ClinGen allele CA404073850.